The following is an entry in ClinVar:

NM_198241.3(EIF4G1):c.1395A>T (p.Glu465Asp)

Gene: EIF4G1 (eukaryotic translation initiation factor 4 gamma 1; plus strand). Cytogenetic location: 3q27.1.
Variant type: single nucleotide variant.
Coding change: c.1395A>T on transcript NM_198241.3 (MANE Select); coding-DNA position 1395, A replaced by T.
Protein change: p.Glu465Asp; replaces glutamic acid 465 with aspartic acid.
Molecular consequence: missense variant.
Genome position (GRCh38, 1-based): chr3:184,321,979, A>T. VCF-style: chr3-184321979-A-T. GRCh37 (hg19) VCF-style: chr3-184039767-A-T.
Other names: c.1416A>T, p.Glu472Asp (NM_001194946.2, NM_001194947.2); c.1275A>T, p.Glu425Asp (NM_001291157.2); c.807A>T, p.Glu269Asp (NM_004953.5); c.1395A>T, p.Glu465Asp (NM_182917.4); c.903A>T, p.Glu301Asp (NM_198242.3); c.1134A>T, p.Glu378Asp (NM_198244.3); short protein forms E269D, E301D, E465D, E425D, E378D, E472D.
Identifiers: ClinVar variation 4984130 (VCV004984130.1).

ClinVar aggregate classification (germline): Uncertain significance (1 of 4 stars; one submission).

Conditions:
EIF4G1-related disorder. Also called: EIF4G1-related condition.

gnomAD v4.1: 1 of 1,543,016 alleles (0.000065%); highest among the groups gnomAD compares: Admixed American, 0.0017%; no homozygotes.

Submission:

PreventionGenetics, part of Exact Sciences
Classification: Uncertain significance for EIF4G1-related condition. Last evaluated: 2025-01-10. Review status: criteria provided, single submitter. Criteria: ACMG Guidelines, 2015. Collection method: clinical testing. Allele origin: germline.
Comment: The EIF4G1 c.1395A>T variant is predicted to result in the amino acid substitution p.Glu465Asp. To our knowledge, this variant has not been reported in the literature. This variant is reported in 0.0029% of alleles in individuals of Latino descent in gnomAD. An alternate missense change at the same amino acid position has been reported as a variant of uncertain significance in a patient with early onset Parkinson disease (Li et al. 2020. PubMed ID: 32171587). At this time, the clinical significance of this variant is uncertain due to the absence of conclusive functional and genetic evidence.